The following is an entry in ClinVar:

NM_213647.3(FGFR4):c.1605C>A (p.Asn535Lys)

Gene: FGFR4 (fibroblast growth factor receptor 4; plus strand). Cytogenetic location: 5q35.2.
Variant type: single nucleotide variant.
Coding change: c.1605C>A on transcript NM_213647.3 (MANE Select); coding-DNA position 1605, C replaced by A.
Protein change: p.Asn535Lys; replaces asparagine 535 with lysine.
Molecular consequence: missense variant.
Genome position (GRCh38, 1-based): chr5:177,095,415, C>A. VCF-style: chr5-177095415-C-A. GRCh37 (hg19) VCF-style: chr5-176522416-C-A.
Other names: c.1401C>A, p.Asn467Lys (NM_001291980.2); c.1605C>A, p.Asn535Lys (NM_001354984.2, NM_002011.5); c.1485C>A, p.Asn495Lys (NM_022963.3); short protein forms N535K, N495K, N467K.
Identifiers: ClinVar variation 4530037 (VCV004530037.1), dbSNP rs1057519792.

ClinVar aggregate classification (somatic clinical impact): Tier I - Strong (1 of 4 stars; one submission).

Conditions:
Embryonal rhabdomyosarcoma (ERMS). Also called: Botryoid rhabdomyosarcoma (type of ERMS); Spindle cell rhabdomyosarcomas (type of ERMS). Identifiers: Orphanet 99757, MedGen C0206656, MONDO:0009993, HP:0006743.

Submission:

Institute for Genomic Medicine (IGM) Clinical Laboratory, Nationwide Children's Hospital
Classification: Tier I - Strong for Embryonal rhabdomyosarcoma. Assertion type: diagnostic. Clinical significance: supports diagnosis. Last evaluated: 2024-12-17. Review status: criteria provided, single submitter. Criteria: AMP/ASCO/CAP Guidelines, 2017. Collection method: clinical testing. Allele origin: somatic. Affected: yes.
Comment: Variant has Tier I (strong) clinical significance as a diagnostic inclusion criterion in embryonal rhabdomyosarcoma, based on the following evidence: 1) Documented in one or more cancer databases (e.g., St. Jude Pecan, COSMIC, CIViC, OncoKB). 2) Appears in one or more well-established professional guidelines (e.g., World Health Organization [WHO]; National Comprehensive Cancer Network [NCCN]) as providing diagnostic, prognostic, or therapeutic information. 3) Information in the literature supports potential biologic effect of variant (PMID: 19809159). 4) Diagnostic for a specific tumor type/classification based on well-powered studies with expert-level consensus (Evidence Level B; PMIDs: 24436047, 34166060, 24332040, 25768946, 19809159).

Literature cited by the submitters: PubMed 19809159; PubMed 24436047; PubMed 34166060; PubMed 24332040; PubMed 25768946.